The following is an entry in ClinVar:

NM_000152.5(GAA):c.1438-10C>G

Gene: GAA (alpha glucosidase; plus strand). Cytogenetic location: 17q25.3.
Variant type: single nucleotide variant.
Coding change: c.1438-10C>G on transcript NM_000152.5 (MANE Select); 10 bases into the intron before coding-DNA position 1438, C replaced by G.
Molecular consequence: intron variant.
Genome position (GRCh38, 1-based): chr17:80,110,717, C>G. VCF-style: chr17-80110717-C-G. GRCh37 (hg19) VCF-style: chr17-78084516-C-G.
Other names: c.1438-10C>G (NM_001079803.3, NM_001079804.3).
Identifiers: ClinVar variation 1058822 (VCV001058822.9), dbSNP rs1029231930, ClinGen allele CA2499225011.

ClinVar aggregate classification (germline): Uncertain significance (1 of 4 stars; one submission).

Conditions:
Glycogen storage disease, type II (IOPD). Also called: POMPE DISEASE, INFANTILE-ONSET; GLYCOGEN STORAGE DISEASE II, INFANTILE-ONSET; ACID ALPHA-GLUCOSIDASE DEFICIENCY, INFANTILE-ONSET; GAA DEFICIENCY, INFANTILE-ONSET; ACID MALTASE DEFICIENCY, INFANTILE-ONSET; CARDIOMEGALIA GLYCOGENICA DIFFUSA. Identifiers: Orphanet 365, MedGen C0017921, MONDO:0009290, OMIM 232300.

Submission:

Labcorp Genetics (formerly Invitae), Labcorp
Classification: Uncertain significance for Glycogen storage disease, type II. Last evaluated: 2022-07-25. Review status: criteria provided, single submitter. Criteria: Invitae Variant Classification Sherloc (09022015). Collection method: clinical testing. Allele origin: germline.
Comment: In summary, the available evidence is currently insufficient to determine the role of this variant in disease. Therefore, it has been classified as a Variant of Uncertain Significance. Algorithms developed to predict the effect of sequence changes on RNA splicing suggest that this variant may create or strengthen a splice site. ClinVar contains an entry for this variant (Variation ID: 1058822). This variant has not been reported in the literature in individuals affected with GAA-related conditions. This variant is not present in population databases (gnomAD no frequency). This sequence change falls in intron 9 of the GAA gene. It does not directly change the encoded amino acid sequence of the GAA protein.